The following is an entry in ClinVar:

NM_152703.5(SAMD9L):c.445A>G (p.Lys149Glu)

Gene: SAMD9L (sterile alpha motif domain containing 9 like; minus strand). Cytogenetic location: 7q21.2.
Variant type: single nucleotide variant.
Coding change: c.445A>G on transcript NM_152703.5 (MANE Select); coding-DNA position 445, A replaced by G.
Protein change: p.Lys149Glu; replaces lysine 149 with glutamic acid.
Molecular consequence: missense variant.
Genome position (GRCh38, 1-based): chr7:93,135,527, T>C on the plus strand (A>G on the coding strand, the complement: SAMD9L is on the minus strand). VCF-style: chr7-93135527-T-C. GRCh37 (hg19) VCF-style: chr7-92764840-T-C.
Other names: c.445A>G, p.Lys149Glu (NM_001303496.3, NM_001303497.3, NM_001303498.3 and 5 more transcripts); short protein forms K149E.
Identifiers: ClinVar variation 3949918 (VCV003949918.1).

ClinVar aggregate classification (germline): Uncertain significance (1 of 4 stars; one submission).

Conditions:
Inborn genetic diseases. Identifiers: MedGen C0950123, MeSH D030342.

Submission:

Ambry Genetics
Classification: Uncertain significance for Inborn genetic diseases. Last evaluated: 2025-05-16. Review status: criteria provided, single submitter. Criteria: Ambry Variant Classification Scheme 2023. Collection method: clinical testing. Allele origin: germline.
Comment: The p.K149E variant (also known as c.445A>G), located in coding exon 1 of the SAMD9L gene, results from an A to G substitution at nucleotide position 445. The lysine at codon 149 is replaced by glutamic acid, an amino acid with similar properties. This amino acid position is conserved. In addition, this alteration is predicted to be tolerated by in silico analysis. Based on the available evidence, the clinical significance of this variant remains unclear.